The following is an entry in ClinVar:

NM_000179.3(MSH6):c.3881G>A (p.Cys1294Tyr)

Gene: MSH6 (mutS homolog 6; plus strand). Cytogenetic location: 2p16.3.
Variant type: single nucleotide variant.
Coding change: c.3881G>A on transcript NM_000179.3 (MANE Select); coding-DNA position 3881, G replaced by A.
Protein change: p.Cys1294Tyr; replaces cysteine 1294 with tyrosine.
Molecular consequence: missense variant.
Genome position (GRCh38, 1-based): chr2:47,806,531, G>A. VCF-style: chr2-47806531-G-A. GRCh37 (hg19) VCF-style: chr2-48033670-G-A.
Other names: c.3491G>A, p.Cys1164Tyr (NM_001281492.2); c.2975G>A, p.Cys992Tyr (NM_001281493.2, NM_001281494.2); short protein forms C1294Y, C1164Y, C992Y.
Identifiers: ClinVar variation 455304 (VCV000455304.13), dbSNP rs878853741, ClinGen allele CA346761377.

ClinVar aggregate classification (germline): Uncertain significance. Review status: criteria provided, multiple submitters, no conflicts (2 of 4 stars). 3 submissions from 3 submitters: Uncertain significance (3). Last evaluated 2024-02-12.

Conditions:
Hereditary nonpolyposis colorectal neoplasms. Identifiers: MedGen C0009405, MeSH D003123.
Hereditary cancer-predisposing syndrome. Also called: Hereditary Cancer Syndrome; Hereditary neoplastic syndrome; Neoplastic Syndromes, Hereditary; Tumor predisposition. Identifiers: Orphanet 140162, MedGen C0027672, MeSH D009386, MONDO:0015356.

Allele frequency attached by ClinVar (database versions not stated): gnomAD exomes below 0.00001.
gnomAD v4.1: 2 of 1,613,798 alleles (0.00012%); highest among the groups gnomAD compares: Non-Finnish European, 0.00017%; no homozygotes.

Submissions (3):

Ambry Genetics
Classification: Uncertain significance for Hereditary cancer-predisposing syndrome. Last evaluated: 2024-02-12. Review status: criteria provided, single submitter. Criteria: Ambry Variant Classification Scheme 2023. Collection method: clinical testing. Allele origin: germline.
Comment: The p.C1294Y variant (also known as c.3881G>A), located in coding exon 9 of the MSH6 gene, results from a G to A substitution at nucleotide position 3881. The cysteine at codon 1294 is replaced by tyrosine, an amino acid with highly dissimilar properties. This amino acid position is highly conserved in available vertebrate species. In addition, this alteration is predicted to be deleterious by in silico analysis. Based on the available evidence, the clinical significance of this alteration remains unclear.

Labcorp Genetics (formerly Invitae), Labcorp
Classification: Uncertain significance for Hereditary nonpolyposis colorectal neoplasms. Last evaluated: 2023-05-08. Review status: criteria provided, single submitter. Criteria: Invitae Variant Classification Sherloc (09022015). Collection method: clinical testing. Allele origin: germline.
Comment: In summary, the available evidence is currently insufficient to determine the role of this variant in disease. Therefore, it has been classified as a Variant of Uncertain Significance. Advanced modeling of protein sequence and biophysical properties (such as structural, functional, and spatial information, amino acid conservation, physicochemical variation, residue mobility, and thermodynamic stability) has been performed at Invitae for this missense variant, however the output from this modeling did not meet the statistical confidence thresholds required to predict the impact of this variant on MSH6 protein function. ClinVar contains an entry for this variant (Variation ID: 455304). This variant has not been reported in the literature in individuals affected with MSH6-related conditions. This variant is not present in population databases (gnomAD no frequency). This sequence change replaces cysteine, which is neutral and slightly polar, with tyrosine, which is neutral and polar, at codon 1294 of the MSH6 protein (p.Cys1294Tyr).

GeneDx
Classification: Uncertain significance. Last evaluated: 2022-08-30. Review status: criteria provided, single submitter. Criteria: GeneDx Variant Classification Process June 2021. Collection method: clinical testing. Allele origin: germline. Affected: yes.
Comment: Not observed at significant frequency in large population cohorts (gnomAD); In silico analysis supports that this missense variant has a deleterious effect on protein structure/function; Has not been previously published as pathogenic or benign to our knowledge; This variant is associated with the following publications: (PMID: 17531815, 21120944)